The following is an entry in ClinVar:

ClinVar aggregate classification (germline): Pathogenic (1 of 4 stars; one submission).

Conditions:
Retinoblastoma (RB1). Also called: RETINOBLASTOMA, SOMATIC. Identifiers: Orphanet 790, MedGen C0035335, MeSH D012175, MONDO:0008380, OMIM 180200, HP:0009919. Disease mechanism: loss of function. Inheritance: Both sporadic and heritable forms are tested..

Submission:

Genetic Diagnostic Laboratory, University of Pennsylvania School of Medicine
Classification: Pathogenic for Retinoblastoma. Last evaluated: 2024-05-20. Review status: criteria provided, single submitter. Criteria: ACMG Guidelines, 2015. Collection method: clinical testing. Allele origin: germline. Affected: yes. Observed: 1 variant allele.
Comment: Case and Pedigree Information: BILATERAL CASES:1, UNILATERAL CASES:0, TOTAL CASES:1, PEDIGREES:1. ACMG Codes Applied:PVS1, PM2

NM_000321.3(RB1):c.2137A>T (p.Lys713Ter)

Gene: RB1 (RB transcriptional corepressor 1; plus strand). Cytogenetic location: 13q14.2.
Variant type: single nucleotide variant.
Coding change: c.2137A>T on transcript NM_000321.3 (MANE Select); coding-DNA position 2137, A replaced by T.
Protein change: p.Lys713Ter; replaces lysine 713 with a stop codon.
Molecular consequence: nonsense.
Genome position (GRCh38, 1-based): chr13:48,463,761, A>T. VCF-style: chr13-48463761-A-T. GRCh37 (hg19) VCF-style: chr13-49037897-A-T.
Other names: c.2137A>T, p.Lys713Ter (NM_001407165.1); short protein forms K713*.
Identifiers: ClinVar variation 3237071 (VCV003237071.1), dbSNP rs2138342342.
Genomic context (GRCh38, chr13:48,463,761, plus strand): 5'-TGACTACTTTTACATCAATTTATTTACTAGATTATGATGTGTTCCATGTATGGCATATGC[A>T]AAGTGAAGAATATAGACCTTAAATTCAAAATCATTGTAACAGCATACAAGGATCTTCCTC-3'